The following is an entry in ClinVar:

ClinVar aggregate classification (germline): Likely benign. Review status: criteria provided, single submitter (1 of 4 stars). 2 submissions from 2 submitters: Likely benign (1). 1 of the submissions does not count toward it. Last evaluated 2020-09-23.

Conditions:
DSPP-related disorder. Also called: DSPP-related condition.

Allele frequency attached by ClinVar (database versions not stated): gnomAD 0.00001; TOPMed 0.00001; ExAC 0.00002; gnomAD exomes 0.00004; 1000 Genomes Project 30x 0.00016; 1000 Genomes Project 0.00020.
gnomAD v4.1: 55 of 1,614,220 alleles (0.0034%); highest among the groups gnomAD compares: East Asian, 0.091%; no homozygotes.

Submissions (2):

Blueprint Genetics
Classification: Likely benign. Last evaluated: 2020-09-23. Review status: criteria provided, single submitter. Criteria: ACMG Guidelines, 2015. Collection method: clinical testing. Allele origin: germline.

PreventionGenetics, part of Exact Sciences
Classification: Likely benign for DSPP-related condition. Last evaluated: 2020-06-23. Review status: no assertion criteria provided. Collection method: clinical testing. Allele origin: germline. Not counted in ClinVar's aggregate classification.
Comment: This variant is classified as likely benign based on ACMG/AMP sequence variant interpretation guidelines (Richards et al. 2015 PMID: 25741868, with internal and published modifications).

NM_014208.3(DSPP):c.1428T>C (p.Asp476=)

Genes: DMP1-AS1 (DMP1 and DSPP antisense RNA 1; minus strand), DSPP (dentin sialophosphoprotein; plus strand). Cytogenetic location: 4q22.1.
Variant type: single nucleotide variant.
Coding change: c.1428T>C on transcript NM_014208.3 (MANE Select); coding-DNA position 1428, T replaced by C.
Protein change: p.Asp476=; no amino-acid change (aspartic acid 476 retained).
Molecular consequence: synonymous variant.
Genome position (GRCh38, 1-based): chr4:87,614,090, T>C. VCF-style: chr4-87614090-T-C. GRCh37 (hg19) VCF-style: chr4-88535242-T-C.
Identifiers: ClinVar variation 3036041 (VCV003036041.3), dbSNP rs202220716, ClinGen allele CA3001098.
Genomic context (GRCh38, chr4:87,614,090, plus strand): 5'-TGATAAGTCCATGCAAGGAGATGATCCCAATAGCAGTGATGAATCTAATGGCAATGATGA[T>C]GCTAATTCAGAAAGTGACAATAACAGCAGTAGCCGAGGAGATGCTTCTTATAACTCTGAT-3'
Protein context (NP_055023.2, residues 466-486): NSSDESNGND[Asp476=]ANSESDNNSS